The following is an entry in ClinVar:

NM_000346.4(SOX9):c.508C>A (p.Pro170Thr)

Gene: SOX9 (SRY-box transcription factor 9; plus strand). Cytogenetic location: 17q24.3.
Variant type: single nucleotide variant.
Coding change: c.508C>A on transcript NM_000346.4 (MANE Select); coding-DNA position 508, C replaced by A.
Protein change: p.Pro170Thr; replaces proline 170 with threonine.
Molecular consequence: missense variant.
Genome position (GRCh38, 1-based): chr17:72,122,795, C>A. VCF-style: chr17-72122795-C-A. GRCh37 (hg19) VCF-style: chr17-70118936-C-A.
Other names: c.508C>A (NM_000346.3); short protein forms P170T.
Identifiers: ClinVar variation 1485794 (VCV001485794.7), dbSNP rs866706988, ClinGen allele CA293782222.

ClinVar aggregate classification (germline): Pathogenic/Likely pathogenic. Review status: criteria provided, multiple submitters, no conflicts (2 of 4 stars). 2 submissions from 2 submitters: Pathogenic (1); Likely pathogenic (1). Last evaluated 2023-10-05.

Conditions:
Camptomelic dysplasia (CMPD). Also called: Campomelic Dysplasia; CMPD1/SRA1. Identifiers: Orphanet 140, MedGen C1861922, MONDO:0007251, OMIM 114290.

Submissions (2):

GeneDx
Classification: Pathogenic. Last evaluated: 2023-10-05. Review status: criteria provided, single submitter. Criteria: GeneDx Variant Classification Process June 2021. Collection method: clinical testing. Allele origin: germline. Affected: yes.
Comment: Not observed at significant frequency in large population cohorts (gnomAD); In silico analysis supports that this missense variant has a deleterious effect on protein structure/function; Has not been previously published as pathogenic or benign to our knowledge

Labcorp Genetics (formerly Invitae), Labcorp
Classification: Likely pathogenic for Camptomelic dysplasia. Last evaluated: 2021-11-03. Review status: criteria provided, single submitter. Criteria: Invitae Variant Classification Sherloc (09022015). Collection method: clinical testing. Allele origin: germline.
Comment: Advanced modeling of protein sequence and biophysical properties (such as structural, functional, and spatial information, amino acid conservation, physicochemical variation, residue mobility, and thermodynamic stability) performed at Invitae indicates that this missense variant is expected to disrupt SOX9 protein function. This sequence change replaces proline, which is neutral and non-polar, with threonine, which is neutral and polar, at codon 170 of the SOX9 protein (p.Pro170Thr). This variant is not present in population databases (gnomAD no frequency). This variant has not been reported in the literature in individuals affected with SOX9-related conditions. This variant disrupts the p.Pro170 amino acid residue in SOX9. Other variant(s) that disrupt this residue have been determined to be pathogenic (PMID: 9002675; Invitae). This suggests that this residue is clinically significant, and that variants that disrupt this residue are likely to be disease-causing. In summary, the currently available evidence indicates that the variant is pathogenic, but additional data are needed to prove that conclusively. Therefore, this variant has been classified as Likely Pathogenic.

Literature cited by the submitters: PubMed 9002675 (cited by Labcorp Genetics (formerly Invitae), Labcorp).